The following is an entry in ClinVar:

ClinVar aggregate classification (germline): Uncertain significance (1 of 4 stars; one submission).

gnomAD v4.1: 5 of 1,604,656 alleles (0.00031%); highest among the groups gnomAD compares: African/African-American, 0.0054%; no homozygotes.

Submission:

Labcorp Genetics (formerly Invitae), Labcorp
Classification: Uncertain significance. Last evaluated: 2024-07-08. Review status: criteria provided, single submitter. Criteria: Invitae Variant Classification Sherloc (09022015). Collection method: clinical testing. Allele origin: germline.
Comment: This sequence change replaces proline, which is neutral and non-polar, with alanine, which is neutral and non-polar, at codon 344 of the IFT88 protein (p.Pro344Ala). This variant is present in population databases (rs774983378, gnomAD 0.007%). This variant has not been reported in the literature in individuals affected with IFT88-related conditions. An algorithm developed to predict the effect of missense changes on protein structure and function (PolyPhen-2) suggests that this variant is likely to be tolerated. In summary, the available evidence is currently insufficient to determine the role of this variant in disease. Therefore, it has been classified as a Variant of Uncertain Significance.

NM_006531.5(IFT88):c.1003C>G (p.Pro335Ala)

Gene: IFT88 (intraflagellar transport 88; plus strand). Cytogenetic location: 13q12.11.
Variant type: single nucleotide variant.
Coding change: c.1003C>G on transcript NM_006531.5 (MANE Select); coding-DNA position 1003, C replaced by G.
Protein change: p.Pro335Ala; replaces proline 335 with alanine.
Molecular consequence: missense variant. On other transcripts: non-coding transcript variant (5).
Genome position (GRCh38, 1-based): chr13:20,601,895, C>G. VCF-style: chr13-20601895-C-G. GRCh37 (hg19) VCF-style: chr13-21176034-C-G.
Other names: c.1030C>G, p.Pro344Ala (NM_001353567.2, NM_175605.5, NM_001318493.2 and 2 more transcripts); c.1003C>G, p.Pro335Ala (NM_001353568.2, NM_001353572.2); c.928C>G, p.Pro310Ala (NM_001353569.2, NM_001353570.2, NM_001353576.2 and 1 more transcripts); c.901C>G, p.Pro301Ala (NM_001353571.2, NM_001353578.2); c.946C>G, p.Pro316Ala (NM_001353573.2, NM_001353575.2, NM_001318491.2); c.844C>G, p.Pro282Ala (NM_001353574.2); c.370C>G, p.Pro124Ala (NM_001353579.2); short protein forms P124A, P282A, P301A, P310A, P316A, P335A, P344A.
Identifiers: ClinVar variation 3613281 (VCV003613281.2).
Genomic context (GRCh38, chr13:20,601,895, plus strand): 5'-TATTTTGCTATTGGAGACCGAGAAAAAATGAAGAAGGCATTCCAAAAATTGATTACTGTT[C>G]CATTAGAAATTGATGAAGATAAATATATTTCACCAAGTGTGAGTATGAAAAAGACATTTC-3'
Protein context (NP_006522.2, residues 325-345): KKAFQKLITV[Pro335Ala]LEIDEDKYIS